The following is an entry in ClinVar:

ClinVar aggregate classification (germline): Likely benign. Review status: criteria provided, multiple submitters, no conflicts (2 of 4 stars). 2 submissions from 2 submitters: Likely benign (2). Last evaluated 2026-01-01.

Conditions:
FG syndrome (FGS). Identifiers: MedGen C0220769, MONDO:0002010.

Submissions (2):

CeGaT Center for Human Genetics Tuebingen
Classification: Likely benign. Last evaluated: 2026-01-01. Review status: criteria provided, single submitter. Criteria: CeGaT Center For Human Genetics Tuebingen Variant Classification Criteria Version 2. Collection method: clinical testing. Allele origin: germline. Affected: yes. Observed: 2 variant alleles.
Comment: MED12: PM2:Supporting, BP4, BP7

Labcorp Genetics (formerly Invitae), Labcorp
Classification: Likely benign for FG syndrome. Last evaluated: 2017-07-16. Review status: criteria provided, single submitter. Criteria: Invitae Variant Classification Sherloc (09022015). Collection method: clinical testing. Allele origin: germline.

NM_005120.3(MED12):c.6351G>A (p.Gln2117=)

Gene: MED12 (mediator complex subunit 12; plus strand). Cytogenetic location: Xq13.1.
Variant type: single nucleotide variant.
Coding change: c.6351G>A on transcript NM_005120.3 (MANE Select); coding-DNA position 6351, G replaced by A.
Protein change: p.Gln2117=; no amino-acid change (glutamine 2117 retained).
Molecular consequence: synonymous variant.
Genome position (GRCh38, 1-based): chrX:71,141,313, G>A. VCF-style: chrX-71141313-G-A. GRCh37 (hg19) VCF-style: chrX-70361163-G-A.
Identifiers: ClinVar variation 458835 (VCV000458835.19), dbSNP rs1175039083, ClinGen allele CA516728552.